The following is an entry in ClinVar:

ClinVar aggregate classification (germline): Uncertain significance (1 of 4 stars; one submission).

Conditions:
Inborn genetic diseases. Identifiers: MedGen C0950123, MeSH D030342.

Allele frequency attached by ClinVar (database versions not stated): ExAC 0.00001.
gnomAD v4.1: 1 of 1,614,008 alleles (0.000062%); highest among the groups gnomAD compares: South Asian, 0.0011%; no homozygotes.

Submission:

Ambry Genetics
Classification: Uncertain significance for Inborn genetic diseases. Last evaluated: 2022-11-11. Review status: criteria provided, single submitter. Criteria: Ambry Variant Classification Scheme 2023. Collection method: clinical testing. Allele origin: germline.
Comment: The p.Y354C variant (also known as c.1061A>G), located in coding exon 9 of the LRRK2 gene, results from an A to G substitution at nucleotide position 1061. The tyrosine at codon 354 is replaced by cysteine, an amino acid with highly dissimilar properties. This amino acid position is conserved. In addition, the in silico prediction for this alteration is inconclusive. Since supporting evidence is limited at this time, the clinical significance of this alteration remains unclear.

NM_198578.4(LRRK2):c.1061A>G (p.Tyr354Cys)

Gene: LRRK2 (leucine rich repeat kinase 2; plus strand). Cytogenetic location: 12q12.
Variant type: single nucleotide variant.
Coding change: c.1061A>G on transcript NM_198578.4 (MANE Select); coding-DNA position 1061, A replaced by G.
Protein change: p.Tyr354Cys; replaces tyrosine 354 with cysteine.
Molecular consequence: missense variant.
Genome position (GRCh38, 1-based): chr12:40,251,334, A>G. VCF-style: chr12-40251334-A-G. GRCh37 (hg19) VCF-style: chr12-40645136-A-G.
Other names: short protein forms Y354C.
Identifiers: ClinVar variation 2453013 (VCV002453013.2), dbSNP rs771822175, ClinGen allele CA6513264.
Genomic context (GRCh38, chr12:40,251,334, plus strand): 5'-AGAATCAAGAGAATGATGATGAGGGGGAAGAAGATAAATTGTTTTGGCTGGAAGCCTGTT[A>G]CAAAGCATTAACGTGGCATAGAAAGAACAAGCACGTGCAGGTAGGACTCTCATAAATATT-3'
Protein context (NP_940980.4, residues 344-364): EDKLFWLEAC[Tyr354Cys]KALTWHRKNK